The following is an entry in ClinVar:

NM_015662.3(IFT172):c.2646C>A (p.Cys882Ter)

Genes: IFT172 (intraflagellar transport 172; minus strand), LOC126806174 (CDK7 strongly-dependent group 2 enhancer GRCh37_chr2:27681686-27682885; plus strand). Cytogenetic location: 2p23.3.
Variant type: single nucleotide variant.
Coding change: c.2646C>A on transcript NM_015662.3 (MANE Select); coding-DNA position 2646, C replaced by A.
Protein change: p.Cys882Ter; replaces cysteine 882 with a stop codon.
Molecular consequence: nonsense.
Genome position (GRCh38, 1-based): chr2:27,459,519, G>T on the plus strand (C>A on the coding strand, the complement: IFT172 is on the minus strand). VCF-style: chr2-27459519-G-T. GRCh37 (hg19) VCF-style: chr2-27682386-G-T.
Other names: short protein forms C882*.
Identifiers: ClinVar variation 1075988 (VCV001075988.9), dbSNP rs1309394469, ClinGen allele CA346382439.
Genomic context (GRCh38, chr2:27,459,519, plus strand): 5'-TATATAAATTGCCTTCTTCCACTGGCGGGCACCCAGGGCGGCCTCAATTGCCTTAATGGA[G>T]CACCTGGCAAAGTTGGGAAAGATATAAATATGTAGGATGAAAGATGAAGATGAATGGAGG-3'

ClinVar aggregate classification (germline): Pathogenic/Likely pathogenic. Review status: criteria provided, multiple submitters, no conflicts (2 of 4 stars). 3 submissions from 3 submitters: Pathogenic (1); Likely pathogenic (2). Last evaluated 2024-01-31.

Conditions:
Short-rib thoracic dysplasia 10 with or without polydactyly (SRTD10). Identifiers: Orphanet 474, MedGen C3810175, MONDO:0014284, OMIM 615630.
Bardet-Biedl syndrome 20. Identifiers: MedGen C4310707, MONDO:0023670, OMIM 619471, MONDO:0014926.
Retinitis pigmentosa 71 (RP71). Identifiers: Orphanet 791, MedGen C4225342, MONDO:0014618, OMIM 616394.
IFT172-related disorder. Also called: IFT172-related disorders; IFT172-related condition.

Submissions (3):

Fulgent Genetics
Classification: Likely pathogenic for Short-rib thoracic dysplasia 10 with or without polydactyly; Retinitis pigmentosa 71; Bardet-Biedl syndrome 20. Last evaluated: 2024-01-31. Review status: criteria provided, single submitter. Criteria: ACMG Guidelines, 2015. Collection method: clinical testing. Allele origin: germline.

Blueprint Genetics
Classification: Likely pathogenic for IFT172-related disorders. Last evaluated: 2021-08-12. Review status: criteria provided, single submitter. Criteria: ACMG Guidelines, 2015. Collection method: clinical testing. Allele origin: germline. Affected: yes. Observed: 1 variant allele.

Labcorp Genetics (formerly Invitae), Labcorp
Classification: Pathogenic for Retinitis pigmentosa 71; Short-rib thoracic dysplasia 10 with or without polydactyly. Last evaluated: 2020-06-22. Review status: criteria provided, single submitter. Criteria: Invitae Variant Classification Sherloc (09022015). Collection method: clinical testing. Allele origin: germline.
Comment: For these reasons, this variant has been classified as Pathogenic. Loss-of-function variants in IFT172 are known to be pathogenic (PMID: 24140113). Algorithms developed to predict the effect of sequence changes on RNA splicing suggest that this variant may create or strengthen a splice site, but this prediction has not been confirmed by published transcriptional studies. This variant has not been reported in the literature in individuals with IFT172-related conditions. This variant is not present in population databases (ExAC no frequency). This sequence change creates a premature translational stop signal (p.Cys882*) in the IFT172 gene. It is expected to result in an absent or disrupted protein product.

Literature cited by the submitters: PubMed 24140113 (cited by Labcorp Genetics (formerly Invitae), Labcorp).